The following is an entry in ClinVar:

ClinVar aggregate classification (germline): Uncertain significance. Review status: criteria provided, multiple submitters, no conflicts (2 of 4 stars). 3 submissions from 3 submitters: Uncertain significance (3). Last evaluated 2024-11-22.

Conditions:
Cowden syndrome 3 (CWS3). Identifiers: Orphanet 201, MedGen CN166604, MONDO:0014045.
Pheochromocytoma. Also called: MAX-Related Hereditary Paraganglioma-Pheochromocytoma Syndrome. Identifiers: Orphanet 29072, MedGen C0031511, MONDO:0008233, OMIM 171300, HP:0002666.
Carney-Stratakis syndrome. Also called: PARAGANGLIOMA AND GASTROINTESTINAL STROMAL TUMOR. Identifiers: Orphanet 97286, MedGen C1847319, MONDO:0011740, OMIM 606864.
Paragangliomas with sensorineural hearing loss. Identifiers: MedGen C1868633.
Hereditary pheochromocytoma and paraganglioma. Also called: Hereditary Paraganglioma-Pheochromocytoma Syndromes; Hereditary paragangliomas and pheochromocytomas; Hereditary pheochromocytoma-paraganglioma. Identifiers: Orphanet 29072, MedGen C4274332, MONDO:0017366.
Hereditary cancer-predisposing syndrome. Also called: Hereditary neoplastic syndrome; Neoplastic Syndromes, Hereditary; Tumor predisposition; Hereditary Cancer Syndrome. Identifiers: Orphanet 140162, MedGen C0027672, MeSH D009386, MONDO:0015356.

Allele frequency attached by ClinVar (database versions not stated): gnomAD exomes below 0.00001; TOPMed below 0.00001; gnomAD 0.00001.
gnomAD v4.1: 2 of 1,611,836 alleles (0.00012%); highest among the groups gnomAD compares: Non-Finnish European, 0.00017%; no homozygotes.

Submissions (3):

Ambry Genetics
Classification: Uncertain significance for Hereditary cancer-predisposing syndrome. Last evaluated: 2024-11-22. Review status: criteria provided, single submitter. Criteria: Ambry Variant Classification Scheme 2023. Collection method: clinical testing. Allele origin: germline.
Comment: The p.K125N variant (also known as c.375G>T), located in coding exon 4 of the SDHD gene, results from a G to T substitution at nucleotide position 375. The lysine at codon 125 is replaced by asparagine, an amino acid with similar properties. This amino acid position is not well conserved in available vertebrate species. In addition, the in silico prediction for this alteration is inconclusive. Based on the available evidence, the clinical significance of this variant remains unclear.

Labcorp Genetics (formerly Invitae), Labcorp
Classification: Uncertain significance for Carney-Stratakis syndrome; Paragangliomas with sensorineural hearing loss; Pheochromocytoma; Cowden syndrome 3. Last evaluated: 2024-04-22. Review status: criteria provided, single submitter. Criteria: Invitae Variant Classification Sherloc (09022015). Collection method: clinical testing. Allele origin: germline.
Comment: This sequence change replaces lysine, which is basic and polar, with asparagine, which is neutral and polar, at codon 125 of the SDHD protein (p.Lys125Asn). This variant is present in population databases (no rsID available, gnomAD 0.007%). This variant has not been reported in the literature in individuals affected with SDHD-related conditions. ClinVar contains an entry for this variant (Variation ID: 239471). Algorithms developed to predict the effect of missense changes on protein structure and function output the following: SIFT: "Not Available"; PolyPhen-2: "Benign"; Align-GVGD: "Not Available". The asparagine amino acid residue is found in multiple mammalian species, which suggests that this missense change does not adversely affect protein function. In summary, the available evidence is currently insufficient to determine the role of this variant in disease. Therefore, it has been classified as a Variant of Uncertain Significance.

All of Us Research Program, National Institutes of Health
Classification: Uncertain significance for Hereditary pheochromocytoma and paraganglioma. Last evaluated: 2024-01-03. Review status: criteria provided, single submitter. Criteria: ACMG Guidelines, 2015. Collection method: clinical testing. Allele origin: germline. Inheritance: Autosomal dominant inheritance. Observed: 1 variant allele, 1 heterozygote.
Comment: This missense variant replaces lysine with asparagine at codon 125 of the SDHD protein. Computational prediction suggests that this variant may not impact protein structure and function (internally defined REVEL score threshold <= 0.5, PMID: 27666373). To our knowledge, functional studies have not been reported for this variant. This variant has not been reported in individuals affected with SDHD-related disorders in the literature. This variant has been identified in 1/31402 chromosomes in the general population by the Genome Aggregation Database (gnomAD). The available evidence is insufficient to determine the role of this variant in disease conclusively. Therefore, this variant is classified as a Variant of Uncertain Significance.

This study involves interpretation of variants in research participants for the purpose of population health screening. Participant phenotype was not available at the time of variant classification. Additional details can be found in publication PMID: 35346344, PMCID: PMC8962531

NM_003002.4(SDHD):c.375G>T (p.Lys125Asn)

Gene: SDHD (succinate dehydrogenase complex subunit D; plus strand). Cytogenetic location: 11q23.1.
Variant type: single nucleotide variant.
Coding change: c.375G>T on transcript NM_003002.4 (MANE Select); coding-DNA position 375, G replaced by T.
Protein change: p.Lys125Asn; replaces lysine 125 with asparagine.
Molecular consequence: missense variant. On other transcripts: 3 prime UTR variant (1), non-coding transcript variant (1).
Genome position (GRCh38, 1-based): chr11:112,094,865, G>T. VCF-style: chr11-112094865-G-T. GRCh37 (hg19) VCF-style: chr11-111965589-G-T.
Other names: c.230G>T, p.Arg77Met (NM_001276503.2); c.258G>T, p.Lys86Asn (NM_001276504.2); c.*73G>T (NM_001276506.2); short protein forms K125N, R77M, K86N.
Identifiers: ClinVar variation 239471 (VCV000239471.12), dbSNP rs878854595, ClinGen allele CA10582873.